The following is an entry in ClinVar:

ClinVar aggregate classification (germline): Uncertain significance (1 of 4 stars; one submission).

Allele frequency attached by ClinVar (database versions not stated): gnomAD exomes below 0.00001; ExAC 0.00001.
gnomAD v4.1: 1 of 1,614,156 alleles (0.000062%); highest among the groups gnomAD compares: Non-Finnish European, 0.000085%; no homozygotes.

Submission:

Labcorp Genetics (formerly Invitae), Labcorp
Classification: Uncertain significance. Last evaluated: 2024-10-15. Review status: criteria provided, single submitter. Criteria: Invitae Variant Classification Sherloc (09022015). Collection method: clinical testing. Allele origin: germline.
Comment: This sequence change replaces tyrosine, which is neutral and polar, with cysteine, which is neutral and slightly polar, at codon 1001 of the SETBP1 protein (p.Tyr1001Cys). This variant is present in population databases (rs771194692, gnomAD 0.0009%). This variant has not been reported in the literature in individuals affected with SETBP1-related conditions. ClinVar contains an entry for this variant (Variation ID: 1719998). Invitae Evidence Modeling of protein sequence and biophysical properties (such as structural, functional, and spatial information, amino acid conservation, physicochemical variation, residue mobility, and thermodynamic stability) indicates that this missense variant is not expected to disrupt SETBP1 protein function with a negative predictive value of 80%. In summary, the available evidence is currently insufficient to determine the role of this variant in disease. Therefore, it has been classified as a Variant of Uncertain Significance.

NM_015559.3(SETBP1):c.3002A>G (p.Tyr1001Cys)

Gene: SETBP1 (SET binding protein 1; plus strand). Cytogenetic location: 18q12.3.
Variant type: single nucleotide variant.
Coding change: c.3002A>G on transcript NM_015559.3 (MANE Select); coding-DNA position 3002, A replaced by G.
Protein change: p.Tyr1001Cys; replaces tyrosine 1001 with cysteine.
Molecular consequence: missense variant.
Genome position (GRCh38, 1-based): chr18:44,952,342, A>G. VCF-style: chr18-44952342-A-G. GRCh37 (hg19) VCF-style: chr18-42532307-A-G.
Other names: c.3002A>G, p.Tyr1001Cys (NM_001379141.1, NM_001379142.1, NM_001410862.1); short protein forms Y1001C.
Identifiers: ClinVar variation 1719998 (VCV001719998.5), dbSNP rs771194692, ClinGen allele CA8945837.
Genomic context (GRCh38, chr18:44,952,342, plus strand): 5'-CATATCCCAGCATTTTTCGGATTAATTTTGATCACTATTACCCGGTGCCATATATCCAGT[A>G]TGACCCGTTGCTCTATCTTCGTAGGACTTCAGACTTGAAGTCAAAGAAGAAGCGTGGTAG-3'
Protein context (NP_056374.2, residues 991-1011): DHYYPVPYIQ[Tyr1001Cys]DPLLYLRRTS